The following is an entry in ClinVar:

ClinVar aggregate classification (germline): Uncertain significance (1 of 4 stars; one submission).

Submission:

Labcorp Genetics (formerly Invitae), Labcorp
Classification: Uncertain significance. Last evaluated: 2022-09-13. Review status: criteria provided, single submitter. Criteria: Invitae Variant Classification Sherloc (09022015). Collection method: clinical testing. Allele origin: germline.
Comment: This variant has not been reported in the literature in individuals affected with NBAS-related conditions. In summary, the available evidence is currently insufficient to determine the role of this variant in disease. Therefore, it has been classified as a Variant of Uncertain Significance. Advanced modeling of protein sequence and biophysical properties (such as structural, functional, and spatial information, amino acid conservation, physicochemical variation, residue mobility, and thermodynamic stability) performed at Invitae indicates that this missense variant is not expected to disrupt NBAS protein function. This variant is not present in population databases (gnomAD no frequency). This sequence change replaces leucine, which is neutral and non-polar, with valine, which is neutral and non-polar, at codon 529 of the NBAS protein (p.Leu529Val).

NM_015909.4(NBAS):c.1585C>G (p.Leu529Val)

Gene: NBAS (NBAS subunit of NRZ tethering complex; minus strand). Cytogenetic location: 2p24.3.
Variant type: single nucleotide variant.
Coding change: c.1585C>G on transcript NM_015909.4 (MANE Select); coding-DNA position 1585, C replaced by G.
Protein change: p.Leu529Val; replaces leucine 529 with valine.
Molecular consequence: missense variant. On other transcripts: non-coding transcript variant (1).
Genome position (GRCh38, 1-based): chr2:15,474,081, G>C on the plus strand (C>G on the coding strand, the complement: NBAS is on the minus strand). VCF-style: chr2-15474081-G-C. GRCh37 (hg19) VCF-style: chr2-15614205-G-C.
Other names: short protein forms L529V.
Identifiers: ClinVar variation 2058937 (VCV002058937.4), dbSNP rs1680078385, ClinGen allele CA345887681.